The following is an entry in ClinVar:

ClinVar aggregate classification (germline): Uncertain significance. Review status: criteria provided, single submitter (1 of 4 stars). 2 submissions from 2 submitters: Uncertain significance (1). 1 of the submissions does not count toward it. Last evaluated 2024-09-19.

Conditions:
ALPK2-related disorder. Also called: ALPK2-related condition.

Allele frequency attached by ClinVar (database versions not stated): ExAC 0.00068; ESP Exome Variant Server 0.00226; gnomAD 0.00234; 1000 Genomes Project 0.00240; 1000 Genomes Project 30x 0.00250; TOPMed 0.00267.
gnomAD v4.1: 683 of 1,614,212 alleles (0.042%); highest among the groups gnomAD compares: African/African-American, 0.81%; 2 homozygotes.

Submissions (2):

Ambry Genetics
Classification: Uncertain significance. Last evaluated: 2024-09-19. Review status: criteria provided, single submitter. Criteria: Ambry Variant Classification Scheme 2023. Collection method: clinical testing. Allele origin: germline.
Comment: The p.T199S variant (also known as c.596C>G), located in coding exon 3 of the ALPK2 gene, results from a C to G substitution at nucleotide position 596. The threonine at codon 199 is replaced by serine, an amino acid with similar properties. This amino acid position is conserved. In addition, this alteration is predicted to be tolerated by in silico analysis. Since supporting evidence is limited at this time, the clinical significance of this alteration remains unclear.

PreventionGenetics, part of Exact Sciences
Classification: Likely benign for ALPK2-related condition. Last evaluated: 2019-11-25. Review status: no assertion criteria provided. Collection method: clinical testing. Allele origin: germline. Not counted in ClinVar's aggregate classification.
Comment: This variant is classified as likely benign based on ACMG/AMP sequence variant interpretation guidelines (Richards et al. 2015 PMID: 25741868, with internal and published modifications).

NM_052947.4(ALPK2):c.596C>G (p.Thr199Ser)

Gene: ALPK2 (alpha kinase 2; minus strand). Cytogenetic location: 18q21.31.
Variant type: single nucleotide variant.
Coding change: c.596C>G on transcript NM_052947.4 (MANE Select); coding-DNA position 596, C replaced by G.
Protein change: p.Thr199Ser; replaces threonine 199 with serine.
Molecular consequence: missense variant.
Genome position (GRCh38, 1-based): chr18:58,580,180, G>C on the plus strand (C>G on the coding strand, the complement: ALPK2 is on the minus strand). VCF-style: chr18-58580180-G-C. GRCh37 (hg19) VCF-style: chr18-56247412-G-C.
Other names: short protein forms T199S.
Identifiers: ClinVar variation 1750773 (VCV001750773.5), dbSNP rs140972067, ClinGen allele CA8977420.
Genomic context (GRCh38, chr18:58,580,180, plus strand): 5'-TTAAGAAAAAGCAACCCATTTGCAATTTCTTCTGTGTTACTTGGATCATAAGCCTCTCCA[G>C]TGTGCCTTGTTCCTTTAACACCCAAAGGATTTTCAGAACTGGACACACTAATGTCAAGAT-3'
Protein context (NP_443179.3, residues 189-209): NPLGVKGTRH[Thr199Ser]GEAYDPSNTE